The following is an entry in ClinVar:

ClinVar aggregate classification (germline): Uncertain significance. Review status: criteria provided, multiple submitters, no conflicts (2 of 4 stars). 4 submissions from 4 submitters: Uncertain significance (4). Last evaluated 2025-07-14.

Conditions:
Hereditary nonpolyposis colorectal neoplasms. Identifiers: MedGen C0009405, MeSH D003123.
Hereditary cancer-predisposing syndrome. Also called: Neoplastic Syndromes, Hereditary; Hereditary Cancer Syndrome; Hereditary neoplastic syndrome; Tumor predisposition. Identifiers: Orphanet 140162, MedGen C0027672, MeSH D009386, MONDO:0015356.
Lynch syndrome. Identifiers: Orphanet 144, MedGen C4552100, MONDO:0005835. Disease mechanism: loss of function.

Allele frequency attached by ClinVar (database versions not stated): gnomAD exomes below 0.00001; ExAC 0.00001.

Submissions (4):

Labcorp Genetics (formerly Invitae), Labcorp
Classification: Uncertain significance for Hereditary nonpolyposis colorectal neoplasms. Last evaluated: 2025-07-14. Review status: criteria provided, single submitter. Criteria: Invitae Variant Classification Sherloc (09022015). Collection method: clinical testing. Allele origin: germline.
Comment: This variant, c.3950_3976dup, results in the insertion of 9 amino acid(s) of the MSH6 protein (p.Lys1325_Met1326insAsnArgLysAlaArgGluPheGluLys), but otherwise preserves the integrity of the reading frame. This variant is present in population databases (rs776322353, gnomAD 0.003%). This variant has not been reported in the literature in individuals affected with MSH6-related conditions. ClinVar contains an entry for this variant (Variation ID: 1058626). Experimental studies and prediction algorithms are not available or were not evaluated, and the functional significance of this variant is currently unknown. In summary, the available evidence is currently insufficient to determine the role of this variant in disease. Therefore, it has been classified as a Variant of Uncertain Significance.

Ambry Genetics
Classification: Uncertain significance for Hereditary cancer-predisposing syndrome. Last evaluated: 2024-09-16. Review status: criteria provided, single submitter. Criteria: Ambry Variant Classification Scheme 2023. Collection method: clinical testing. Allele origin: germline.
Comment: The c.3950_3976dup27 variant (also known as p.K1325_M1326insNRKAREFEK), located in coding exon 9 of the MSH6 gene, results from an in-frame duplication of 27 nucleotides at nucleotide positions 3950 to 3976. This results in the in-frame insertion of 9 extra residues (NRKAREFEK) between codons 1325 and 1326. In addition, this alteration is predicted to be deleterious by in silico analysis (Choi Y et al. PLoS ONE. 2012; 7(10):e46688). Since supporting evidence is limited at this time, the clinical significance of this alteration remains unclear.

Color Diagnostics, LLC DBA Color Health
Classification: Uncertain significance for Hereditary cancer-predisposing syndrome. Last evaluated: 2023-12-20. Review status: criteria provided, single submitter. Criteria: ACMG Guidelines, 2015. Collection method: clinical testing. Allele origin: germline.
Comment: This variant causes an in-frame insertion of 9 amino acids in the MSH6 protein. To our knowledge, functional studies have not been reported for this variant. This variant has not been reported in individuals affected with MSH6-related disorders in the literature. This variant has been identified in 1/249246 chromosomes in the general population by the Genome Aggregation Database (gnomAD). The available evidence is insufficient to determine the role of this variant in disease conclusively. Therefore, this variant is classified as a Variant of Uncertain Significance.

All of Us Research Program, National Institutes of Health
Classification: Uncertain significance for Lynch syndrome. Last evaluated: 2023-03-23. Review status: criteria provided, single submitter. Criteria: ACMG Guidelines, 2015. Collection method: clinical testing. Allele origin: germline. Inheritance: Autosomal dominant inheritance. Observed: 1 variant allele, 1 heterozygote.
Comment: This variant causes an in-frame insertion of 9 amino acids in the MSH6 protein. To our knowledge, functional studies have not been reported for this variant. This variant has not been reported in individuals affected with MSH6-related disorders in the literature. This variant has been identified in 1/249246 chromosomes in the general population by the Genome Aggregation Database (gnomAD). The available evidence is insufficient to determine the role of this variant in disease conclusively. Therefore, this variant is classified as a Variant of Uncertain Significance.

This study involves interpretation of variants in research participants for the purpose of population health screening. Participant phenotype was not available at the time of variant classification. Additional details can be found in publication PMID: 35346344, PMCID: PMC8962531

NM_000179.3(MSH6):c.3950_3976dup (p.Lys1325_Met1326insAsnArgLysAlaArgGluPheGluLys)

Gene: MSH6 (mutS homolog 6; plus strand). Cytogenetic location: 2p16.3.
Variant type: Duplication.
Coding change: c.3950_3976dup on transcript NM_000179.3 (MANE Select); coding-DNA positions 3950 to 3976, 27 bases duplicated (ATAGAAAAGCAAGAGAATTTGAGAAGA).
Protein change: p.Lys1325_Met1326insAsnArgLysAlaArgGluPheGluLys.
Molecular consequence: inframe insertion.
Genome position (GRCh38, 1-based): chr2:47,806,600-47,806,626, ATAGAAAAGCAAGAGAATTTGAGAAGA duplicated. VCF-style (leftmost placement, unchanged base first): chr2-47806599-C-CATAGAAAAGCAAGAGAATTTGAGAAGA. GRCh37 (hg19) VCF-style: chr2-48033738-C-CATAGAAAAGCAAGAGAATTTGAGAAGA.
Other names: c.3560_3586dup, p.Lys1195_Met1196insAsnArgLysAlaArgGluPheGluLys (NM_001281492.2); c.3044_3070dup, p.Lys1023_Met1024insAsnArgLysAlaArgGluPheGluLys (NM_001281493.2, NM_001281494.2).
Identifiers: ClinVar variation 1058626 (VCV001058626.15), dbSNP rs776322353, ClinGen allele CA1649482.